The following is an entry in ClinVar:

NM_000093.5(COL5A1):c.1569+15_1569+16inv

Gene: COL5A1 (collagen type V alpha 1 chain; plus strand). Cytogenetic location: 9q34.3.
Variant type: Inversion.
Coding change: c.1569+15_1569+16inv on transcript NM_000093.5 (MANE Select).
Molecular consequence: intron variant.
Genome position: GRCh38 VCF-style: chr9-134750631-CA-TG. GRCh37 (hg19) VCF-style: chr9-137642477-CA-TG.
Other names: c.1569+15_1569+16inv (NM_001278074.1).
Identifiers: ClinVar variation 2108746 (VCV002108746.4), ClinGen allele CA2580080033.
Genomic context (GRCh38, chr9:134,750,631, plus strand): 5'-GGCCGATGGCCTGCCCGGTCCTCCAGGAACCATGCTCATGCTGCCCGTGAGTACCCTTAT[CA>TG]GTCGGAGGTGGGGAGGCAGCTGGGGCAGGTGGGATCCAAACCAGACCCTCTGAGGCTGCG-3'

ClinVar aggregate classification (germline): Uncertain significance (1 of 4 stars; one submission).

Conditions:
Ehlers-Danlos syndrome, classic type, 1 (EDSCL1). Also called: EHLERS-DANLOS SYNDROME, GRAVIS TYPE; EHLERS-DANLOS SYNDROME, SEVERE CLASSIC TYPE; Ehlers-Danlos syndrome, type 1; EDS I; Ehlers-Danlos Syndrome, Classic Type, COL5A1-Related. Identifiers: MedGen C0268335, MONDO:0019567, OMIM 130000.

Submission:

Labcorp Genetics (formerly Invitae), Labcorp
Classification: Uncertain significance for Ehlers-Danlos syndrome, classic type, 1. Last evaluated: 2025-12-17. Review status: criteria provided, single submitter. Criteria: Invitae Variant Classification Sherloc (09022015). Collection method: clinical testing. Allele origin: germline.
Comment: This sequence change falls in intron 12 of the COL5A1 gene. It does not directly change the encoded amino acid sequence of the COL5A1 protein. Information on the frequency of this variant in the gnomAD database is not available, as this variant may be reported differently in the database. This variant has not been reported in the literature in individuals affected with COL5A1-related conditions. ClinVar contains an entry for this variant (Variation ID: 2108746). Experimental studies and prediction algorithms are not available or were not evaluated, and the effect of this variant on mRNA splicing is currently unknown. In summary, the available evidence is currently insufficient to determine the role of this variant in disease. Therefore, it has been classified as a Variant of Uncertain Significance.